The following is an entry in ClinVar:

NM_001365951.3(KIF1B):c.721-4T>G

Gene: KIF1B (kinesin family member 1B; plus strand). Cytogenetic location: 1p36.22.
Variant type: single nucleotide variant.
Coding change: c.721-4T>G on transcript NM_001365951.3 (MANE Select); 4 bases into the intron before coding-DNA position 721, T replaced by G.
Molecular consequence: intron variant.
Genome position (GRCh38, 1-based): chr1:10,271,498, T>G. VCF-style: chr1-10271498-T-G. GRCh37 (hg19) VCF-style: chr1-10331556-T-G.
Other names: c.721-4T>G (NM_183416.4, NM_015074.3, NM_001365952.1 and 1 more transcripts).
Identifiers: ClinVar variation 3864074 (VCV003864074.1).
Genomic context (GRCh38, chr1:10,271,498, plus strand): 5'-TAAATATTTCCTGCTTCTATCTTGCTTATTTTTGAATTGCCCCCATGTTATTGTTCTTTA[T>G]CAGGTCAGTAAAATCAGCTTGGTGGATCTAGCAGGAAGTGAACGAGCTGATTCAACTGGT-3'

ClinVar aggregate classification (germline): Uncertain significance (1 of 4 stars; one submission).

Submission:

Ambry Genetics
Classification: Uncertain significance. Last evaluated: 2025-01-14. Review status: criteria provided, single submitter. Criteria: Ambry Variant Classification Scheme 2023. Collection method: clinical testing. Allele origin: germline.
Comment: The c.721-4T>G intronic variant results from a T to G substitution 4 nucleotides upstream from coding exon 7 in the KIF1B gene. This nucleotide position is poorly conserved in available vertebrate species. In silico splice site analysis predicts that this alteration will result in the creation or strengthening of a novel splice acceptor site. The evidence for this gene-disease relationship is limited; therefore, the clinical significance of this alteration is unclear.